The following is an entry in ClinVar:

ClinVar aggregate classification (germline): Conflicting classifications of pathogenicity. Review status: criteria provided, conflicting classifications (1 of 4 stars). 4 submissions from 4 submitters: Likely pathogenic (1); Uncertain significance (3). Last evaluated 2025-12-14.

Conditions:
Autosomal recessive limb-girdle muscular dystrophy type R18 (LGMDR18). Also called: MUSCULAR DYSTROPHY, LIMB-GIRDLE, AUTOSOMAL RECESSIVE 18; Autosomal recessive limb-girdle muscular dystrophy type 2S; Limb-girdle muscular dystrophy, type 2S. Identifiers: Orphanet 369840, MedGen C4517996, MONDO:0014144, OMIM 615356.

Allele frequency attached by ClinVar (database versions not stated): gnomAD exomes below 0.00001 and 0.00003; ExAC 0.00001; gnomAD 0.00001; TOPMed 0.00001.
gnomAD v4.1: 40 of 1,599,852 alleles (0.0025%); highest among the groups gnomAD compares: Non-Finnish European, 0.0032%; no homozygotes.

Submissions (4):

Labcorp Genetics (formerly Invitae), Labcorp
Classification: Likely pathogenic for Autosomal recessive limb-girdle muscular dystrophy type R18. Last evaluated: 2025-12-14. Review status: criteria provided, single submitter. Criteria: Invitae Variant Classification Sherloc (09022015). Collection method: clinical testing. Allele origin: germline.
Comment: This sequence change replaces proline, which is neutral and non-polar, with leucine, which is neutral and non-polar, at codon 1005 of the TRAPPC11 protein (p.Pro1005Leu). This variant is present in population databases (rs764158202, gnomAD 0.0009%). This missense change has been observed in individual(s) with limb-girdle muscular dystrophy (PMID: 30105108). In at least one individual the data is consistent with being in trans (on the opposite chromosome) from a pathogenic variant. It has also been observed to segregate with disease in related individuals. ClinVar contains an entry for this variant (Variation ID: 1033579). Invitae Evidence Modeling of protein sequence and biophysical properties (such as structural, functional, and spatial information, amino acid conservation, physicochemical variation, residue mobility, and thermodynamic stability) indicates that this missense variant is expected to disrupt TRAPPC11 protein function with a positive predictive value of 80%. In summary, the currently available evidence indicates that the variant is pathogenic, but additional data are needed to prove that conclusively. Therefore, this variant has been classified as Likely Pathogenic.

Women's Health and Genetics/Laboratory Corporation of America, LabCorp
Classification: Uncertain significance. Last evaluated: 2025-07-03. Review status: criteria provided, single submitter. Criteria: LabCorp Variant Classification Summary - May 2015. Collection method: clinical testing. Allele origin: germline.
Comment: Variant summary: TRAPPC11 c.3014C>T (p.Pro1005Leu) results in a non-conservative amino acid change in the encoded protein sequence. Algorithms developed to predict the effect of missense changes on protein structure and function are either unavailable or do not agree on the potential impact of this missense change. The variant allele was found at a frequency of 4e-06 in 251388 control chromosomes. c.3014C>T has been reported in the literature in trans with a pathogenic variant in 2 related individuals affected with Limb-Girdle Muscular Dystrophy, Autosomal Recessive (example, Wang_2018). These data indicate that the variant may be associated with disease. To our knowledge, no experimental evidence demonstrating an impact on protein function has been reported. The following publication have been ascertained in the context of this evaluation (PMID: 30105108). ClinVar contains an entry for this variant (Variation ID: 1033579). Based on the evidence outlined above, the variant was classified as VUS-possibly pathogenic.

Revvity Omics, Revvity
Classification: Uncertain significance for Autosomal recessive limb-girdle muscular dystrophy type R18. Last evaluated: 2022-01-03. Review status: criteria provided, single submitter. Criteria: ACMG Guidelines, 2015. Collection method: clinical testing. Allele origin: germline.

Baylor Genetics
Classification: Uncertain significance for Autosomal recessive limb-girdle muscular dystrophy type R18. Last evaluated: 2018-07-26. Review status: criteria provided, single submitter. Criteria: ACMG Guidelines, 2015. Collection method: clinical testing. Allele origin: maternal. Affected: yes.
Comment: This variant was determined to be of uncertain significance according to ACMG Guidelines, 2015 [PMID:25741868].

Literature cited by the submitters: PubMed 30105108 (cited by Labcorp Genetics (formerly Invitae), Labcorp and Women's Health and Genetics/Laboratory Corporation of America, LabCorp).

NM_021942.6(TRAPPC11):c.3014C>T (p.Pro1005Leu)

Gene: TRAPPC11 (trafficking protein particle complex subunit 11; plus strand). Cytogenetic location: 4q35.1.
Variant type: single nucleotide variant.
Coding change: c.3014C>T on transcript NM_021942.6 (MANE Select); coding-DNA position 3014, C replaced by T.
Protein change: p.Pro1005Leu; replaces proline 1005 with leucine.
Molecular consequence: missense variant.
Genome position (GRCh38, 1-based): chr4:183,705,029, C>T. VCF-style: chr4-183705029-C-T. GRCh37 (hg19) VCF-style: chr4-184626182-C-T.
Other names: c.3014C>T, p.Pro1005Leu (NM_199053.3); short protein forms P1005L.
Identifiers: ClinVar variation 1033579 (VCV001033579.11), dbSNP rs764158202, ClinGen allele CA3152410.